The following is an entry in ClinVar:

NM_002016.2(FLG):c.5845C>T (p.Gln1949Ter)

Genes: FLG (filaggrin; minus strand), CCDST (cervical cancer associated DHX9 suppressive transcript; plus strand). Cytogenetic location: 1q21.3.
Variant type: single nucleotide variant.
Coding change: c.5845C>T on transcript NM_002016.2 (MANE Select); coding-DNA position 5845, C replaced by T.
Protein change: p.Gln1949Ter; replaces glutamine 1949 with a stop codon.
Molecular consequence: nonsense.
Genome position (GRCh38, 1-based): chr1:152,309,041, G>A on the plus strand (C>T on the coding strand, the complement: FLG is on the minus strand). VCF-style: chr1-152309041-G-A. GRCh37 (hg19) VCF-style: chr1-152281517-G-A.
Other names: short protein forms Q1949*.
Identifiers: ClinVar variation 4813816 (VCV004813816.1).

ClinVar aggregate classification (germline): Likely pathogenic (1 of 4 stars; one submission).

Conditions:
Ichthyosis vulgaris. Also called: ICHTHYOSIS SIMPLEX; Dominant ichthyosis vulgaris. Identifiers: MedGen C0079584, MONDO:0024304, OMIM 146700.

gnomAD v4.1: 12 of 1,614,126 alleles (0.00074%); highest among the groups gnomAD compares: South Asian, 0.012%; no homozygotes.

Submission:

Variantyx, Inc.
Classification: Likely pathogenic for Ichthyosis vulgaris. Last evaluated: 2025-12-15. Review status: criteria provided, single submitter. Criteria: Variantyx Assertion Criteria 2022. Collection method: clinical testing. Allele origin: germline. Inheritance: Semidominant inheritance. Affected: no.
Comment: This is a nonsense variant in the FLG gene (OMIM: 135940). Pathogenic variants in this gene have been associated with autosomal semi-dominant ichthyosis vulgaris. This variant introduces a premature termination codon in exon 3 out of 3 and is expected to result in loss of function, which is a known disease mechanism for FLG in this disorder (PMID:16444271, 27793761, 27667308) (PVS1). This variant has a 0.0121% maximum allele frequency in non-founder control populations (PM2). Based on the current evidence, this variant is classified as pathogenic for autosomal semi-dominant ichthyosis vulgaris.

Literature cited by the submitters: PubMed 16444271; PubMed 27793761; PubMed 27667308.